The following is an entry in ClinVar:

NM_006494.4(ERF):c.733del (p.Leu245fs)

Gene: ERF (ETS2 repressor factor; minus strand). Cytogenetic location: 19q13.2.
Variant type: Deletion.
Coding change: c.733del on transcript NM_006494.4 (MANE Select); coding-DNA position 733, one base deleted (C; older notation c.733delC).
Protein change: p.Leu245fs; shifts the reading frame from leucine 245.
Molecular consequence: frameshift variant.
Genome position (GRCh38, 1-based): chr19:42,249,379, G deleted on the plus strand (C on the coding strand, the reverse complement: ERF is on the minus strand); the first of 4 consecutive G bases (chr19:42,249,379-42,249,382); deleting any one gives the same sequence. VCF-style (leftmost placement, unchanged base first): chr19-42249378-AG-A. GRCh37 (hg19) VCF-style: chr19-42753530-AG-A.
Other names: c.508del, p.Leu170fs (NM_001301035.2, NM_001308402.2, NM_001312656.2); short protein forms L245fs, L170fs.
Identifiers: ClinVar variation 476628 (VCV000476628.8), dbSNP rs1555750741, ClinGen allele CA658658821.

ClinVar aggregate classification (germline): Pathogenic (1 of 4 stars; one submission).

Conditions:
TWIST1-related craniosynostosis (CRS1). Also called: CRANIOSYNOSTOSIS 1. Identifiers: Orphanet 63440, MedGen C4551902, MONDO:0007399, OMIM 123100. Inheritance: Heterogenous inheritance pattern.

Submission:

Labcorp Genetics (formerly Invitae), Labcorp
Classification: Pathogenic for TWIST1-related craniosynostosis. Last evaluated: 2022-02-19. Review status: criteria provided, single submitter. Criteria: Invitae Variant Classification Sherloc (09022015). Collection method: clinical testing. Allele origin: germline.
Comment: For these reasons, this variant has been classified as Pathogenic. This variant disrupts a region of the ERF protein in which other variant(s) (p.Gly299Argfs*9) have been determined to be pathogenic (PMID: 23354439). This suggests that this is a clinically significant region of the protein, and that variants that disrupt it are likely to be disease-causing. ClinVar contains an entry for this variant (Variation ID: 476628). This variant has not been reported in the literature in individuals affected with ERF-related conditions. This variant is not present in population databases (gnomAD no frequency). This sequence change creates a premature translational stop signal (p.Leu245Serfs*26) in the ERF gene. While this is not anticipated to result in nonsense mediated decay, it is expected to disrupt the last 304 amino acid(s) of the ERF protein.

Literature cited by the submitters: PubMed 23354439.